The following is an entry in ClinVar:

ClinVar aggregate classification (germline): Conflicting classifications of pathogenicity. Review status: criteria provided, conflicting classifications (1 of 4 stars). 2 submissions from 2 submitters: Pathogenic (1); Uncertain significance (1). Last evaluated 2025-07-31.

Conditions:
Primary ciliary dyskinesia 23 (CILD23). Also called: CILIARY DYSKINESIA, PRIMARY, 23, WITH OR WITHOUT SITUS INVERSUS. Identifiers: Orphanet 244, MedGen C3809548, MONDO:0014193, OMIM 615451.
Primary ciliary dyskinesia. Also called: Ciliary dyskinesia. Identifiers: Orphanet 244, MedGen C0008780, MONDO:0016575, HP:0012265.

Submissions (2):

Ambry Genetics
Classification: Uncertain significance for Primary ciliary dyskinesia. Last evaluated: 2025-07-31. Review status: criteria provided, single submitter. Criteria: Ambry Variant Classification Scheme 2023. Collection method: clinical testing. Allele origin: germline.
Comment: The c.3031_3037delGATATGG variant, located in coding exon 19 of the ARMC4 gene, results from a deletion of 7 nucleotides at nucleotide positions 3031 to 3037, causing a translational frameshift with a predicted alternate stop codon (p.D1011Lfs*35). This alteration occurs at the 3' terminus of theARMC4 gene, is not expected to trigger nonsense-mediated mRNAdecay, and only impacts the last 3% of the protein. The exact functional effect of this alteration is unknown. Since supporting evidence is limited at this time, the clinical significance of this alteration remains unclear.

Labcorp Genetics (formerly Invitae), Labcorp
Classification: Pathogenic for Primary ciliary dyskinesia 23. Last evaluated: 2021-11-17. Review status: criteria provided, single submitter. Criteria: Invitae Variant Classification Sherloc (09022015). Collection method: clinical testing. Allele origin: germline.
Comment: For these reasons, this variant has been classified as Pathogenic. This variant disrupts a region of the ARMC4 protein in which other variant(s) (p.Cys1027Tyr) have been determined to be pathogenic (PMID: 27637300). This suggests that this is a clinically significant region of the protein, and that variants that disrupt it are likely to be disease-causing. This frameshift has been observed in individual(s) with ARMC4-related conditions (Invitae). In at least one individual the data is consistent with the variant being in trans (on the opposite chromosome) from a pathogenic variant. This variant is not present in population databases (gnomAD no frequency). This sequence change results in a frameshift in the ARMC4 gene (p.Asp1011Leufs*35). While this is not anticipated to result in nonsense mediated decay, it is expected to disrupt the last 34 amino acid(s) of the ARMC4 protein and extend the protein by 0 additional amino acid residues.

Literature cited by the submitters: PubMed 27637300 (cited by Labcorp Genetics (formerly Invitae), Labcorp).

NM_018076.5(ODAD2):c.3031_3037del (p.Asp1011fs)

Genes: ODAD2 (outer dynein arm docking complex subunit 2; minus strand), LOC132089773 (Neanderthal introgressed variant-containing enhancer experimental_12116; plus strand). Cytogenetic location: 10p12.1.
Variant type: Deletion.
Coding change: c.3031_3037del on transcript NM_018076.5 (MANE Select); coding-DNA positions 3031 to 3037, 7 bases deleted (GATATGG; older notation c.3031_3037delGATATGG).
Protein change: p.Asp1011fs; shifts the reading frame from aspartic acid 1011.
Molecular consequence: frameshift variant.
Genome position (GRCh38, 1-based): chr10:27,812,610-27,812,616, CCATATC deleted on the plus strand (GATATGG on the coding strand, the reverse complement: ODAD2 is on the minus strand); deleting any 7 consecutive bases within chr10:27,812,610-27,812,617 gives the same sequence; the c. name uses the placement nearest the transcript's 3' end. VCF-style (leftmost placement, unchanged base first): chr10-27812609-ACCATATC-A. GRCh37 (hg19) VCF-style: chr10-28101538-ACCATATC-A.
Other names: c.3031_3037del, p.Asp1011fs (NM_001290020.2); c.1728_1734del, p.Trp576fs (NM_001290021.2); c.2107_2113del, p.Asp703fs (NM_001312689.2); short protein forms D1011fs, D703fs, W576fs.
Identifiers: ClinVar variation 1681338 (VCV001681338.9), dbSNP rs2132709474, ClinGen allele CA2573145106.
Genomic context (GRCh38, chr10:27,812,609, plus strand): 5'-CTGCGGATATTGGATATACAACCAGCTGCAGCTTCCTGGAGATCCTGGTCAGGGGACCCA[ACCATATC>A]CAGTAGAAGCTGTCACACATAAGGAGGAGAAGAAGGGACACAAGAATAAAAACATTAATC-3'